The following is an entry in ClinVar:

NM_212482.4(FN1):c.14C>T (p.Pro5Leu)

Genes: FN1 (fibronectin 1; minus strand), FN1-DT (FN1 divergent transcript; plus strand). Cytogenetic location: 2q35.
Variant type: single nucleotide variant.
Coding change: c.14C>T on transcript NM_212482.4 (MANE Select); coding-DNA position 14, C replaced by T.
Protein change: p.Pro5Leu; replaces proline 5 with leucine.
Molecular consequence: missense variant.
Genome position (GRCh38, 1-based): chr2:215,435,789, G>A on the plus strand (C>T on the coding strand, the complement: FN1 is on the minus strand). VCF-style: chr2-215435789-G-A. GRCh37 (hg19) VCF-style: chr2-216300512-G-A.
Other names: c.14C>T, p.Pro5Leu (NM_001306129.2, NM_001306130.2, NM_001306131.2 and 14 more transcripts); short protein forms P5L.
Identifiers: ClinVar variation 2062862 (VCV002062862.4), dbSNP rs754369776, ClinGen allele CA350481220.

ClinVar aggregate classification (germline): Uncertain significance (1 of 4 stars; one submission).

gnomAD v4.1: 13 of 1,563,096 alleles (0.00083%); highest among the groups gnomAD compares: South Asian, 0.0012%; no homozygotes.

Submission:

Labcorp Genetics (formerly Invitae), Labcorp
Classification: Uncertain significance. Last evaluated: 2025-01-30. Review status: criteria provided, single submitter. Criteria: Invitae Variant Classification Sherloc (09022015). Collection method: clinical testing. Allele origin: germline.
Comment: This sequence change replaces proline, which is neutral and non-polar, with leucine, which is neutral and non-polar, at codon 5 of the FN1 protein (p.Pro5Leu). This variant is not present in population databases (gnomAD no frequency). This variant has not been reported in the literature in individuals affected with FN1-related conditions. ClinVar contains an entry for this variant (Variation ID: 2062862). Experimental studies and prediction algorithms are not available or were not evaluated, and the functional significance of this variant is currently unknown. In summary, the available evidence is currently insufficient to determine the role of this variant in disease. Therefore, it has been classified as a Variant of Uncertain Significance.